The following is an entry in ClinVar:

NM_000458.4(HNF1B):c.544+1391T>C

Gene: HNF1B (HNF1 homeobox B; minus strand). Cytogenetic location: 17q12.
Variant type: single nucleotide variant.
Coding change: c.544+1391T>C on transcript NM_000458.4 (MANE Select); 1391 bases into the intron after coding-DNA position 544, T replaced by C.
Molecular consequence: intron variant.
Genome position (GRCh38, 1-based): chr17:37,738,049, A>G on the plus strand (T>C on the coding strand, the complement: HNF1B is on the minus strand). VCF-style: chr17-37738049-A-G. GRCh37 (hg19) VCF-style: chr17-36098040-G-G.
Other names: c.544+1391T>C (NM_001304286.2, NM_001165923.4).
Identifiers: ClinVar variation 1687622 (VCV001687622.1), dbSNP rs4430796, ClinGen allele CA290287500.
Genomic context (GRCh38, chr17:37,738,049, plus strand): 5'-TGCCTCCTTCTCCTTTCTGAAGAAATTCTCATTGAATACAGAGAGGCAGCACAGACTGGA[A>G]ATGCTGCATAAAGCTTAAATTGGGCAGGGCCCAAGCGTTGTTGGGTCTTTGGAGACAATG-3'

ClinVar aggregate classification (germline): Benign (1 of 4 stars; one submission).

Conditions:
Maturity-onset diabetes of the young (MODY). Also called: Maturity onset diabetes mellitus in young. Identifiers: Orphanet 552, MedGen C0342276, MONDO:0018911, HP:0004904.

Allele frequency attached by ClinVar (database versions not stated): 1000 Genomes Project 30x 0.46002; gnomAD 0.51022 and 0.52088; TOPMed 0.52782.
gnomAD v4.1: 77,664 of 151,996 alleles (51%); highest among the groups gnomAD compares: African/African-American, 67%; 20,898 homozygotes.

Submission:

Clinical Genomics, Uppaluri K&H Personalized Medicine Clinic
Classification: Benign for Maturity-onset diabetes of the young. Review status: criteria provided, single submitter. Criteria: K & H Uppaluri Personalized Medicine Clinic Variant Classification & Assertion Criteria_Updated V.1. Collection method: research. Allele origin: somatic. Inheritance: Autosomal dominant inheritance. Affected: yes.
Comment: Mutations in HNF1B gene are generally associated with early onset diabetes and pancreatic atrophy. It is also associated with multiple renal manifestations including renal cysts, Tubulointerstitial disease, glomerulocystic disease, renal hypoplasia, hypomagnesemia. However, this particular variant (rs4430796) of HNF1B gene was seen to be associated with Gestational Diabetes Mellitus and more studies are required in different ethnic groups to ascertain its significance.

Literature cited by the submitters: PubMed 33259036; PubMed 28274157.